The following is an entry in ClinVar:

NM_203447.4(DOCK8):c.1271_1274dup (p.Ser426fs)

Gene: DOCK8 (dedicator of cytokinesis 8; plus strand). Cytogenetic location: 9p24.3.
Variant type: Duplication.
Coding change: c.1271_1274dup on transcript NM_203447.4 (MANE Select); coding-DNA positions 1271 to 1274, 4 bases duplicated (TGGA; older notation c.1271_1274dupTGGA).
Protein change: p.Ser426fs; shifts the reading frame from serine 426.
Molecular consequence: frameshift variant.
Genome position (GRCh38, 1-based): chr9:334,370-334,373, TGGA duplicated. VCF-style (leftmost placement, unchanged base first): chr9-334369-G-GTGGA. GRCh37 (hg19) VCF-style: chr9-334369-G-GTGGA.
Other names: c.1067_1070dup, p.Ser358fs (NM_001190458.2, NM_001193536.2); short protein forms S426fs, S358fs.
Identifiers: ClinVar variation 1421481 (VCV001421481.6), dbSNP rs2130879011, ClinGen allele CA2573144467.
Genomic context (GRCh38, chr9:334,369, plus strand): 5'-GCACCCATAAGCTTATCAAGCTTCTTCAATGTCTCCACCCTTGAGAGGGAGGTAACTGAT[G>GTGGA]TGGACTCTGTGGTTGGTAAGATTTTCACCTGCAGTGGGAAAGGGAGGGCTCCCCAGTGTG-3'

ClinVar aggregate classification (germline): Pathogenic (1 of 4 stars; one submission).

Conditions:
Combined immunodeficiency due to DOCK8 deficiency (HIES2). Also called: Hyper-IgE recurrent infection syndrome, autosomal recessive; DOCK8 Deficiency; HYPER-IgE RECURRENT INFECTION SYNDROME 2, AUTOSOMAL RECESSIVE; HIES autosomal recessive; HYPER-IgE SYNDROME 2, AUTOSOMAL RECESSIVE, WITH RECURRENT INFECTIONS. Identifiers: Orphanet 217390, MedGen C4722305, MONDO:0009478, OMIM 243700.

Submission:

Labcorp Genetics (formerly Invitae), Labcorp
Classification: Pathogenic for Combined immunodeficiency due to DOCK8 deficiency. Last evaluated: 2021-02-01. Review status: criteria provided, single submitter. Criteria: Invitae Variant Classification Sherloc (09022015). Collection method: clinical testing. Allele origin: germline.
Comment: For these reasons, this variant has been classified as Pathogenic. This variant has not been reported in the literature in individuals with DOCK8-related conditions. This variant is not present in population databases (ExAC no frequency). This sequence change creates a premature translational stop signal (p.Ser426Glyfs*11) in the DOCK8 gene. It is expected to result in an absent or disrupted protein product. Loss-of-function variants in DOCK8 are known to be pathogenic (PMID: 14722525, 19776401).

Literature cited by the submitters: PubMed 14722525; PubMed 19776401.